The following is an entry in ClinVar:

NM_000892.5(KLKB1):c.1004del (p.Leu335fs)

Gene: KLKB1 (kallikrein B1; plus strand). Cytogenetic location: 4q35.2.
Variant type: Deletion.
Coding change: c.1004del on transcript NM_000892.5 (MANE Select); coding-DNA position 1004, one base deleted (T; older notation c.1004delT).
Protein change: p.Leu335fs; shifts the reading frame from leucine 335.
Molecular consequence: frameshift variant.
Genome position (GRCh38, 1-based): chr4:186,251,622, T deleted; the last of 3 consecutive T bases (chr4:186,251,620-186,251,622); deleting any one gives the same sequence. VCF-style (leftmost placement, unchanged base first): chr4-186251619-CT-C. GRCh37 (hg19) VCF-style: chr4-187172773-CT-C.
Other names: c.890del, p.Leu297fs (NM_001318394.2); c.398del, p.Leu133fs (NM_001318396.2); short protein forms L133fs, L297fs, L335fs.
Identifiers: ClinVar variation 2633368 (VCV002633368.1), dbSNP rs2477042297, ClinGen allele CA2672899618.

ClinVar aggregate classification (germline): Likely pathogenic (1 of 4 stars; one submission).

Conditions:
KLKB1-related disorder. Also called: KLKB1-related condition.

Submission:

PreventionGenetics, part of Exact Sciences
Classification: Likely pathogenic for KLKB1-related condition. Last evaluated: 2023-04-17. Review status: criteria provided, single submitter. Criteria: ACMG Guidelines, 2015. Collection method: clinical testing. Allele origin: germline.
Comment: The KLKB1 c.1004delT variant is predicted to result in a frameshift and premature protein termination (p.Leu335Tyrfs*15). To our knowledge, this variant has not been reported in the literature or in a large population database, indicating this variant is rare. Frameshift variants in KLKB1 are expected to be pathogenic. This variant is interpreted as likely pathogenic.